The following is an entry in ClinVar:

NM_020989.4(CRYGC):c.432C>G (p.Tyr144Ter)

Genes: CRYGC (crystallin gamma C; minus strand), LOC100507443 (uncharacterized LOC100507443; plus strand). Cytogenetic location: 2q33.3.
Variant type: single nucleotide variant.
Coding change: c.432C>G on transcript NM_020989.4 (MANE Select); coding-DNA position 432, C replaced by G.
Protein change: p.Tyr144Ter; replaces tyrosine 144 with a stop codon.
Molecular consequence: nonsense.
Genome position (GRCh38, 1-based): chr2:208,128,296, G>C on the plus strand (C>G on the coding strand, the complement: CRYGC is on the minus strand). VCF-style: chr2-208128296-G-C. GRCh37 (hg19) VCF-style: chr2-208993020-G-C.
Other names: short protein forms Y144*.
Identifiers: ClinVar variation 620195 (VCV000620195.1), dbSNP rs1559320516, ClinGen allele CA350093873.

ClinVar aggregate classification (germline): Pathogenic (1 of 4 stars; one submission).

Submission:

GeneDx
Classification: Pathogenic. Last evaluated: 2018-06-20. Review status: criteria provided, single submitter. Criteria: GeneDx Variant Classification (06012015). Collection method: clinical testing. Allele origin: germline. Affected: yes.
Comment: The Y144X variant in the CRYGC gene has been reported previously in a family with nonsyndromic autosomal dominant congenital cataracts and also in a family with autosomal dominant congenital cataracts with microcornea (Zhong et al, 2017; Sun et al., 2017). This variant is predicted to cause loss of normal protein function through protein truncation, as it results in loss of the last 31 amino acids. The Y144X variant is not observed in large population cohorts (Lek et al., 2016). We interpret Y144X as a pathogenic variant.